The following is an entry in ClinVar:

ClinVar aggregate classification (germline): Pathogenic (1 of 4 stars; one submission).

Submission:

Athena Diagnostics
Classification: Pathogenic. Last evaluated: 2024-12-02. Review status: criteria provided, single submitter. Criteria: Athena Diagnostics Criteria. Collection method: clinical testing. Allele origin: unknown.
Comment: This variant is expected to result in the loss of a functional protein. This variant has not been reported in large, multi-ethnic general populations.

NM_001165963.4(SCN1A):c.4486C>T (p.Gln1496Ter)

Genes: SCN1A (sodium voltage-gated channel alpha subunit 1; minus strand), LOC102724058 (uncharacterized LOC102724058; plus strand). Cytogenetic location: 2q24.3.
Variant type: single nucleotide variant.
Coding change: c.4486C>T on transcript NM_001165963.4 (MANE Select); coding-DNA position 4486, C replaced by T.
Protein change: p.Gln1496Ter; replaces glutamine 1496 with a stop codon.
Molecular consequence: nonsense. On other transcripts: non-coding transcript variant (1).
Genome position (GRCh38, 1-based): chr2:165,996,108, G>A on the plus strand (C>T on the coding strand, the complement: SCN1A is on the minus strand). VCF-style: chr2-165996108-G-A. GRCh37 (hg19) VCF-style: chr2-166852618-G-A.
Other names: c.4402C>T, p.Gln1468Ter (NM_001353957.2, NM_001353958.2, NM_001165964.3); c.4399C>T, p.Gln1467Ter (NM_001353960.2); c.2044C>T, p.Gln682Ter (NM_001353961.2); c.4453C>T, p.Gln1485Ter (NM_006920.6, NM_001353949.2, NM_001353950.2 and 2 more transcripts); c.4486C>T, p.Gln1496Ter (NM_001202435.3, NM_001353948.2); c.4450C>T, p.Gln1484Ter (NM_001353954.2, NM_001353955.2); short protein forms Q1496*, Q1484*, Q1485*, Q1468*, Q682*, Q1467*.
Identifiers: ClinVar variation 3571982 (VCV003571982.2).